The following is an entry in ClinVar:

NM_003327.4(TNFRSF4):c.178C>A (p.Gln60Lys)

Gene: TNFRSF4 (TNF receptor superfamily member 4; minus strand). Cytogenetic location: 1p36.33.
Variant type: single nucleotide variant.
Coding change: c.178C>A on transcript NM_003327.4 (MANE Select); coding-DNA position 178, C replaced by A.
Protein change: p.Gln60Lys; replaces glutamine 60 with lysine.
Molecular consequence: missense variant.
Genome position (GRCh38, 1-based): chr1:1,213,753, G>T on the plus strand (C>A on the coding strand, the complement: TNFRSF4 is on the minus strand). VCF-style: chr1-1213753-G-T. GRCh37 (hg19) VCF-style: chr1-1149133-G-T.
Other names: c.178C>A, p.Gln60Lys (NM_001410709.1); short protein forms Q60K.
Identifiers: ClinVar variation 2878852 (VCV002878852.3), dbSNP rs1187256575, ClinGen allele CA337802229.

ClinVar aggregate classification (germline): Uncertain significance (1 of 4 stars; one submission).

Conditions:
Combined immunodeficiency due to OX40 deficiency. Also called: OX40 DEFICIENCY; Immunodeficiency 16. Identifiers: Orphanet 431149, MedGen C3810053, MONDO:0014268, OMIM 615593.

Allele frequency attached by ClinVar (database versions not stated): gnomAD 0.00001; TOPMed 0.00001.

Submission:

Labcorp Genetics (formerly Invitae), Labcorp
Classification: Uncertain significance for Combined immunodeficiency due to OX40 deficiency. Last evaluated: 2024-01-13. Review status: criteria provided, single submitter. Criteria: Invitae Variant Classification Sherloc (09022015). Collection method: clinical testing. Allele origin: germline.
Comment: This sequence change replaces glutamine, which is neutral and polar, with lysine, which is basic and polar, at codon 60 of the TNFRSF4 protein (p.Gln60Lys). The frequency data for this variant in the population databases is considered unreliable, as metrics indicate poor data quality at this position in the gnomAD database. This variant has not been reported in the literature in individuals affected with TNFRSF4-related conditions. Advanced modeling of protein sequence and biophysical properties (such as structural, functional, and spatial information, amino acid conservation, physicochemical variation, residue mobility, and thermodynamic stability) performed at Invitae indicates that this missense variant is not expected to disrupt TNFRSF4 protein function with a negative predictive value of 80%. In summary, the available evidence is currently insufficient to determine the role of this variant in disease. Therefore, it has been classified as a Variant of Uncertain Significance.